The following is an entry in ClinVar:

ClinVar aggregate classification (germline): Uncertain significance. Review status: criteria provided, multiple submitters, no conflicts (2 of 4 stars). 5 submissions from 5 submitters: Uncertain significance (5). Last evaluated 2026-09-01.

Conditions:
Epidermolysis bullosa simplex 5C, with pyloric atresia (EBS5C). Also called: PLEC-Related Epidermolysis Bullosa with Pyloric Atresia; Epidermolysis bullosa simplex with pyloric atresia; PLEC1-Related Epidermolysis Bullosa with Pyloric Atresia. Identifiers: Orphanet 158684, MedGen C2677349, MONDO:0012807, OMIM 612138.
Epidermolysis bullosa simplex 5B, with muscular dystrophy (EBS5B). Also called: EPIDERMOLYSIS BULLOSA SIMPLEX AND LIMB-GIRDLE MUSCULAR DYSTROPHY; Epidermolysis bullosa simplex with muscular dystrophy. Identifiers: Orphanet 257, MedGen C2931072, MONDO:0009181, OMIM 226670.
Autosomal recessive limb-girdle muscular dystrophy type 2Q (LGMDR17). Also called: MUSCULAR DYSTROPHY, LIMB-GIRDLE, AUTOSOMAL RECESSIVE 17. Identifiers: Orphanet 254361, MedGen C3150989, MONDO:0013390, OMIM 613723.
Epidermolysis bullosa simplex with nail dystrophy (EBS5D). Identifiers: MedGen C4225309, MONDO:0014661, OMIM 616487.
Epidermolysis bullosa simplex, Ogna type (EBS5A). Also called: Pidermolysis bullosa simplex 5A, Ogna type; EPIDERMOLYSIS BULLOSA SIMPLEX 5A, OGNA TYPE. Identifiers: Orphanet 79401, MedGen C0432317, MONDO:0007555, OMIM 131950.

Allele frequency attached by ClinVar (database versions not stated): TOPMed 0.00008; gnomAD 0.00011; ExAC 0.00013; gnomAD exomes 0.00013; ESP Exome Variant Server 0.00016; 1000 Genomes Project 30x 0.00031.
gnomAD v4.1: 330 of 1,613,168 alleles (0.02%); highest among the groups gnomAD compares: Non-Finnish European, 0.025%; 1 homozygote.

Submissions (5):

CeGaT Center for Human Genetics Tuebingen
Classification: Uncertain significance. Last evaluated: 2026-09-01. Review status: criteria provided, single submitter. Criteria: CeGaT Center For Human Genetics Tuebingen Variant Classification Criteria Version 2. Collection method: clinical testing. Allele origin: germline. Affected: yes. Observed: 2 variant alleles.
Comment: PLEC: PM2, BP4

Labcorp Genetics (formerly Invitae), Labcorp
Classification: Uncertain significance for Autosomal recessive limb-girdle muscular dystrophy type 2Q; Epidermolysis bullosa simplex, Ogna type; Epidermolysis bullosa simplex with nail dystrophy; Epidermolysis bullosa simplex 5C, with pyloric atresia; Epidermolysis bullosa simplex 5B, with muscular dystrophy. Last evaluated: 2025-11-01. Review status: criteria provided, single submitter. Criteria: Invitae Variant Classification Sherloc (09022015). Collection method: clinical testing. Allele origin: germline.
Comment: This sequence change replaces alanine, which is neutral and non-polar, with valine, which is neutral and non-polar, at codon 3703 of the PLEC protein (p.Ala3703Val). This variant is present in population databases (rs200875002, gnomAD 0.02%). This variant has not been reported in the literature in individuals affected with PLEC-related conditions. ClinVar contains an entry for this variant (Variation ID: 538946). An algorithm developed to predict the effect of missense changes on protein structure and function outputs the following: PolyPhen-2: "Benign". The valine amino acid residue is found in multiple mammalian species, which suggests that this missense change does not adversely affect protein function. In summary, the available evidence is currently insufficient to determine the role of this variant in disease. Therefore, it has been classified as a Variant of Uncertain Significance.

Women's Health and Genetics/Laboratory Corporation of America, LabCorp
Classification: Uncertain significance. Last evaluated: 2025-09-24. Review status: criteria provided, single submitter. Criteria: LabCorp Variant Classification Summary - May 2015. Collection method: clinical testing. Allele origin: germline.
Comment: Variant summary: PLEC c.11108C>T (p.Ala3703Val) results in a non-conservative amino acid change in the encoded protein sequence. Algorithms developed to predict the effect of missense changes on protein structure and function are either unavailable or do not agree on the potential impact of this missense change. The variant allele was found at a frequency of 0.00013 in 247536 control chromosomes. This frequency is not significantly higher than estimated for disease-causing variants in PLEC, allowing no conclusion about variant significance. To our knowledge, no occurrence of c.11108C>T in individuals affected with PLEC-related conditions and no experimental evidence demonstrating its impact on protein function have been reported. ClinVar contains an entry for this variant (Variation ID: 538946). Based on the evidence outlined above, the variant was classified as uncertain significance.

Revvity Omics, Revvity
Classification: Uncertain significance. Last evaluated: 2025-06-24. Review status: criteria provided, single submitter. Criteria: ACMG Guidelines, 2015. Collection method: clinical testing. Allele origin: germline.

Mayo Clinic Laboratories, Mayo Clinic
Classification: Uncertain significance. Last evaluated: 2024-08-13. Review status: criteria provided, single submitter. Criteria: ACMG Guidelines, 2015. Collection method: clinical testing. Allele origin: germline. Observed: 1 variant allele.
Comment: BP4

NM_201384.3(PLEC):c.11027C>T (p.Ala3676Val)

Gene: PLEC (plectin; minus strand). Cytogenetic location: 8q24.3.
Variant type: single nucleotide variant.
Coding change: c.11027C>T on transcript NM_201384.3 (MANE Select); coding-DNA position 11027, C replaced by T.
Protein change: p.Ala3676Val; replaces alanine 3676 with valine.
Molecular consequence: missense variant.
Genome position (GRCh38, 1-based): chr8:143,918,794, G>A on the plus strand (C>T on the coding strand, the complement: PLEC is on the minus strand). VCF-style: chr8-143918794-G-A. GRCh37 (hg19) VCF-style: chr8-144992962-G-A.
Other names: p.Ala3703Val; c.11108C>T, p.Ala3703Val (NM_000445.5); c.10985C>T, p.Ala3662Val (NM_201378.4); c.10961C>T, p.Ala3654Val (NM_201379.3); c.11438C>T, p.Ala3813Val (NM_201380.4); c.10931C>T, p.Ala3644Val (NM_201381.3); c.11027C>T, p.Ala3676Val (NM_201382.4); c.11039C>T, p.Ala3680Val (NM_201383.3); short protein forms A3644V, A3654V, A3676V, A3680V, A3813V, A3662V, A3703V.
Identifiers: ClinVar variation 538946 (VCV000538946.31), dbSNP rs200875002, ClinGen allele CA4924456.
Genomic context (GRCh38, chr8:143,918,794, plus strand): 5'-TAGACACCAGCCACGGAGCCCGTGCCATAGAGGTAGCACCAGGCGGACTCCGCCTCGAGA[G>A]CCTCACGGAGGCTCCTGGTGCCCTCCCGGAGCAGGTTGTAGGTCTCGAGAGAGATGATCC-3'
Protein context (NP_958786.1, residues 3666-3686): LREGTRSLRE[Ala3676Val]LEAESAWCYL